The following is an entry in ClinVar:

ClinVar aggregate classification (germline): Benign. Review status: criteria provided, single submitter (1 of 4 stars). 2 submissions from 1 submitter: Benign (2). Last evaluated 2018-01-13.

Conditions:
Brain-lung-thyroid syndrome. Also called: CHOREOATHETOSIS AND CONGENITAL HYPOTHYROIDISM WITH PULMONARY DYSFUNCTION; Choreoathetosis, Congenital Hypothyroidism, and Neonatal Respiratory Distress Syndrome (Brain-Lung-Thyroid Syndrome); Choreoathetosis, congenital hypothyroidism, and neonatal respiratory distress. Identifiers: Orphanet 209905, MedGen C1970269, MONDO:0012593, OMIM 610978.
Benign hereditary chorea (BHC). Also called: Benign Hereditary Chorea (BHC); HEREDITARY PROGRESSIVE CHOREA WITHOUT DEMENTIA. Identifiers: Orphanet 1429, MedGen C0393584, MONDO:0021011, OMIM 118700.

Allele frequency attached by ClinVar (database versions not stated): gnomAD exomes 0.00082; gnomAD 0.00358 and 0.00374; TOPMed 0.00372; 1000 Genomes Project 0.00579; 1000 Genomes Project 30x 0.00656.
gnomAD v4.1: 609 of 233,586 alleles (0.26%); highest among the groups gnomAD compares: African/African-American, 1.2%; 4 homozygotes.

Submissions (2):

Illumina Laboratory Services, Illumina
Classification: Benign for Brain-lung-thyroid syndrome. Last evaluated: 2018-01-13. Review status: criteria provided, single submitter. Criteria: ICSL Variant Classification Criteria 13 December 2019. Collection method: clinical testing. Allele origin: germline.
Comment: This variant was observed in the ICSL laboratory as part of a predisposition screen in an ostensibly healthy population. It had not been previously curated by ICSL or reported in the Human Gene Mutation Database (HGMD: prior to June 1st, 2018), and was therefore a candidate for classification through an automated scoring system. Utilizing variant allele frequency, disease prevalence and penetrance estimates, and inheritance mode, an automated score was calculated to assess if this variant is too frequent to cause the disease. Based on the score and internal cut-off values, a variant classified as benign is not then subjected to further curation. The score for this variant resulted in a classification of benign for this disease.

Illumina Laboratory Services, Illumina
Classification: Benign for Benign hereditary chorea. Last evaluated: 2018-01-13. Review status: criteria provided, single submitter. Criteria: ICSL Variant Classification Criteria 13 December 2019. Collection method: clinical testing. Allele origin: germline.
Comment: the same text as in the submission from Illumina Laboratory Services, Illumina above.

NM_001079668.3(NKX2-1):c.*579C>G

Genes: NKX2-1 (NK2 homeobox 1; minus strand), SFTA3 (surfactant associated 3; minus strand). Cytogenetic location: 14q13.3.
Variant type: single nucleotide variant.
Coding change: c.*579C>G on transcript NM_001079668.3 (MANE Select); 579 bases downstream of the stop codon, C replaced by G.
Molecular consequence: 3 prime UTR variant.
Genome position (GRCh38, 1-based): chr14:36,516,699, G>C on the plus strand (C>G on the coding strand, the complement: NKX2-1 is on the minus strand). VCF-style: chr14-36516699-G-C. GRCh37 (hg19) VCF-style: chr14-36985904-G-C.
Other names: c.*579C>G (NM_003317.4).
Identifiers: ClinVar variation 313124 (VCV000313124.5), dbSNP rs566916288, ClinGen allele CA10634820.